The following is an entry in ClinVar:

ClinVar aggregate classification (germline): Uncertain significance (1 of 4 stars; one submission).

Conditions:
Inflammatory skin and bowel disease, neonatal, 1. Identifiers: Orphanet 294023, MedGen C3280501, MONDO:0013693, OMIM 614328.

Allele frequency attached by ClinVar (database versions not stated): gnomAD exomes 0.00003 and 0.00005; TOPMed 0.00005; ExAC 0.00006; gnomAD 0.00006 and 0.00007; ESP Exome Variant Server 0.00015.
gnomAD v4.1: 54 of 1,613,908 alleles (0.0033%); highest among the groups gnomAD compares: South Asian, 0.0044%; no homozygotes.

Submission:

Labcorp Genetics (formerly Invitae), Labcorp
Classification: Uncertain significance for Inflammatory skin and bowel disease, neonatal, 1. Last evaluated: 2022-03-04. Review status: criteria provided, single submitter. Criteria: Invitae Variant Classification Sherloc (09022015). Collection method: clinical testing. Allele origin: germline.
Comment: This sequence change replaces arginine, which is basic and polar, with histidine, which is basic and polar, at codon 725 of the ADAM17 protein (p.Arg725His). This variant is present in population databases (rs147275585, gnomAD 0.03%). This variant has not been reported in the literature in individuals affected with ADAM17-related conditions. ClinVar contains an entry for this variant (Variation ID: 946680). Algorithms developed to predict the effect of missense changes on protein structure and function are either unavailable or do not agree on the potential impact of this missense change (SIFT: "Not Available"; PolyPhen-2: "Probably Damaging"; Align-GVGD: "Not Available"). Experimental studies are conflicting or provide insufficient evidence to determine the effect of this variant on ADAM17 function (PMID: 31060243). In summary, the available evidence is currently insufficient to determine the role of this variant in disease. Therefore, it has been classified as a Variant of Uncertain Significance.

Literature cited by the submitters: PubMed 31060243.

NM_003183.6(ADAM17):c.2174G>A (p.Arg725His)

Genes: ADAM17 (ADAM metallopeptidase domain 17; minus strand), IAH1 (isoamyl acetate hydrolyzing esterase 1 (putative); plus strand). Cytogenetic location: 2p25.1.
Variant type: single nucleotide variant.
Coding change: c.2174G>A on transcript NM_003183.6 (MANE Select); coding-DNA position 2174, G replaced by A.
Protein change: p.Arg725His; replaces arginine 725 with histidine.
Molecular consequence: missense variant.
Genome position (GRCh38, 1-based): chr2:9,490,478, C>T on the plus strand (G>A on the coding strand, the complement: ADAM17 is on the minus strand). VCF-style: chr2-9490478-C-T. GRCh37 (hg19) VCF-style: chr2-9630607-C-T.
Other names: c.1514G>A, p.Arg505His (NM_001382777.1); c.1277G>A, p.Arg426His (NM_001382778.1); short protein forms R426H, R725H, R505H.
Identifiers: ClinVar variation 946680 (VCV000946680.7), dbSNP rs147275585, ClinGen allele CA1523274.
Genomic context (GRCh38, chr2:9,490,478, plus strand): 5'-ATCACAGGGGCAGGCTGCAGGCGGCCTGGAGTCTGGGGCGCAGGAAAGGGTTTGATAATG[C>T]GAACCGATGCAGAATCCATGCTGCTCAGCATTTCGACGTTCTGCAAAGACATGGGTTCAA-3'
Protein context (NP_003174.3, residues 715-735): MLSSMDSASV[Arg725His]IIKPFPAPQT